The following is an entry in ClinVar:

NM_015559.3(SETBP1):c.4648G>A (p.Gly1550Ser)

Gene: SETBP1 (SET binding protein 1; plus strand). Cytogenetic location: 18q12.3.
Variant type: single nucleotide variant.
Coding change: c.4648G>A on transcript NM_015559.3 (MANE Select); coding-DNA position 4648, G replaced by A.
Protein change: p.Gly1550Ser; replaces glycine 1550 with serine.
Molecular consequence: missense variant.
Genome position (GRCh38, 1-based): chr18:45,063,555, G>A. VCF-style: chr18-45063555-G-A. GRCh37 (hg19) VCF-style: chr18-42643520-G-A.
Other names: c.4648G>A, p.Gly1550Ser (NM_001379142.1, NM_001379141.1); c.4477G>A, p.Gly1493Ser (NM_001410862.1); short protein forms G1550S, G1493S.
Identifiers: ClinVar variation 3694125 (VCV003694125.2).

ClinVar aggregate classification (germline): Uncertain significance (1 of 4 stars; one submission).

gnomAD v4.1: 5 of 1,389,766 alleles (0.00036%); highest among the groups gnomAD compares: Non-Finnish European, 0.00048%; no homozygotes.

Submission:

Labcorp Genetics (formerly Invitae), Labcorp
Classification: Uncertain significance. Last evaluated: 2024-10-15. Review status: criteria provided, single submitter. Criteria: Invitae Variant Classification Sherloc (09022015). Collection method: clinical testing. Allele origin: germline.
Comment: This sequence change replaces glycine, which is neutral and non-polar, with serine, which is neutral and polar, at codon 1550 of the SETBP1 protein (p.Gly1550Ser). This variant is not present in population databases (gnomAD no frequency). This variant has not been reported in the literature in individuals affected with SETBP1-related conditions. An algorithm developed to predict the effect of missense changes on protein structure and function (PolyPhen-2) suggests that this variant is likely to be tolerated. In summary, the available evidence is currently insufficient to determine the role of this variant in disease. Therefore, it has been classified as a Variant of Uncertain Significance.